The following is an entry in ClinVar:

ClinVar aggregate classification (germline): Uncertain significance (1 of 4 stars; one submission).

Allele frequency attached by ClinVar (database versions not stated): gnomAD exomes below 0.00001.

Submission:

Labcorp Genetics (formerly Invitae), Labcorp
Classification: Uncertain significance. Last evaluated: 2022-04-07. Review status: criteria provided, single submitter. Criteria: Invitae Variant Classification Sherloc (09022015). Collection method: clinical testing. Allele origin: germline.
Comment: In summary, the available evidence is currently insufficient to determine the role of this variant in disease. Therefore, it has been classified as a Variant of Uncertain Significance. Algorithms developed to predict the effect of missense changes on protein structure and function are either unavailable or do not agree on the potential impact of this missense change (SIFT: "Deleterious"; PolyPhen-2: "Benign"; Align-GVGD: "Class C0"). This variant has not been reported in the literature in individuals affected with EIF2B2-related conditions. This variant is not present in population databases (gnomAD no frequency). This sequence change replaces arginine, which is basic and polar, with histidine, which is basic and polar, at codon 43 of the EIF2B2 protein (p.Arg43His).

NM_014239.4(EIF2B2):c.128G>A (p.Arg43His)

Gene: EIF2B2 (eukaryotic translation initiation factor 2B subunit beta; plus strand). Cytogenetic location: 14q24.3.
Variant type: single nucleotide variant.
Coding change: c.128G>A on transcript NM_014239.4 (MANE Select); coding-DNA position 128, G replaced by A.
Protein change: p.Arg43His; replaces arginine 43 with histidine.
Molecular consequence: missense variant.
Genome position (GRCh38, 1-based): chr14:75,003,118, G>A. VCF-style: chr14-75003118-G-A. GRCh37 (hg19) VCF-style: chr14-75469821-G-A.
Other names: short protein forms R43H.
Identifiers: ClinVar variation 2110898 (VCV002110898.4), dbSNP rs2503003334, ClinGen allele CA390423466.